The following is an entry in ClinVar:

NM_001371623.1(TCOF1):c.1602del (p.Ser535fs)

Gene: TCOF1 (treacle ribosome biogenesis factor 1; plus strand). Cytogenetic location: 5q32.
Variant type: Deletion.
Coding change: c.1602del on transcript NM_001371623.1 (MANE Select); coding-DNA position 1602, one base deleted (C; older notation c.1602delC).
Protein change: p.Ser535fs; shifts the reading frame from serine 535.
Molecular consequence: frameshift variant.
Genome position (GRCh38, 1-based): chr5:150,375,452, C deleted; the last of 5 consecutive C bases (chr5:150,375,448-150,375,452); deleting any one gives the same sequence. VCF-style (leftmost placement, unchanged base first): chr5-150375447-AC-A. GRCh37 (hg19) VCF-style: chr5-149755010-AC-A.
Other names: c.1602del, p.Ser535fs (NM_001195141.2, NM_001008657.3, NM_001135243.2 and 1 more transcripts); c.1371del, p.Ser458fs (NM_000356.4, NM_001135245.2); short protein forms S458fs, S535fs.
Identifiers: ClinVar variation 3381869 (VCV003381869.2).

ClinVar aggregate classification (germline): Pathogenic (1 of 4 stars; one submission).

Conditions:
Treacher Collins syndrome 1 (TCS1). Also called: TCOF1-Related Treacher Collins Syndrome. Identifiers: Orphanet 861, MedGen CN315775, MONDO:0007944, OMIM 154500.

Submission:

Juno Genomics, Hangzhou Juno Genomics, Inc
Classification: Pathogenic for Treacher Collins syndrome 1. Review status: criteria provided, single submitter. Criteria: ACMG Guidelines, 2015. Collection method: clinical testing. Allele origin: germline. Affected: yes.
Comment: Null variant in a gene where loss of function (LOF) is a known mechanism of disease.;Absent from controls (or at extremely low frequency if recessive) in Genome Aggregation Database, Exome Sequencing Project, 1000 Genomes Project, or Exome Aggregation Consortium.;Patient's phenotype or family history is highly specific for a disease with a single genetic etiology.